The following is an entry in ClinVar:

NM_001698.3(AUH):c.243C>G (p.His81Gln)

Gene: AUH (AU RNA binding methylglutaconyl-CoA hydratase; minus strand). Cytogenetic location: 9q22.31.
Variant type: single nucleotide variant.
Coding change: c.243C>G on transcript NM_001698.3 (MANE Select); coding-DNA position 243, C replaced by G.
Protein change: p.His81Gln; replaces histidine 81 with glutamine.
Molecular consequence: missense variant. On other transcripts: 5 prime UTR variant (3).
Genome position (GRCh38, 1-based): chr9:91,361,647, G>C on the plus strand (C>G on the coding strand, the complement: AUH is on the minus strand). VCF-style: chr9-91361647-G-C. GRCh37 (hg19) VCF-style: chr9-94123929-G-C.
Other names: c.243C>G, p.His81Gln (NM_001306190.2); c.-155C>G (NM_001351431.2, NM_001351433.2); c.-247C>G (NM_001351432.2); short protein forms H81Q.
Identifiers: ClinVar variation 1501633 (VCV001501633.6), dbSNP rs372245304, ClinGen allele CA373836220.

ClinVar aggregate classification (germline): Uncertain significance (1 of 4 stars; one submission).

Conditions:
3-methylglutaconic aciduria type 1 (MGCA1). Identifiers: Orphanet 67046, MedGen C0342727, MONDO:0009610, OMIM 250950.

Submission:

Labcorp Genetics (formerly Invitae), Labcorp
Classification: Uncertain significance for 3-methylglutaconic aciduria type 1. Last evaluated: 2022-07-19. Review status: criteria provided, single submitter. Criteria: Invitae Variant Classification Sherloc (09022015). Collection method: clinical testing. Allele origin: germline.
Comment: In summary, the available evidence is currently insufficient to determine the role of this variant in disease. Therefore, it has been classified as a Variant of Uncertain Significance. Algorithms developed to predict the effect of sequence changes on RNA splicing suggest that this variant may create or strengthen a splice site. Algorithms developed to predict the effect of missense changes on protein structure and function output the following: SIFT: "Tolerated"; PolyPhen-2: "Benign"; Align-GVGD: "Class C0". The glutamine amino acid residue is found in multiple mammalian species, which suggests that this missense change does not adversely affect protein function. ClinVar contains an entry for this variant (Variation ID: 1501633). This variant has not been reported in the literature in individuals affected with AUH-related conditions. This variant is not present in population databases (gnomAD no frequency). This sequence change replaces histidine, which is basic and polar, with glutamine, which is neutral and polar, at codon 81 of the AUH protein (p.His81Gln).